The following is an entry in ClinVar:

ClinVar aggregate classification (germline): Uncertain significance (1 of 4 stars; one submission).

Conditions:
NIK deficiency. Also called: Primary immunodeficiency with multifaceted aberrant lymphoid immunity. Identifiers: Orphanet 447731, MedGen C5680065, MONDO:0018642.

Allele frequency attached by ClinVar (database versions not stated): gnomAD exomes below 0.00001 and 0.00001; TOPMed below 0.00001; ExAC 0.00001.
gnomAD v4.1: 2 of 1,613,734 alleles (0.00012%); highest among the groups gnomAD compares: Admixed American, 0.0033%; no homozygotes.

Submission:

Labcorp Genetics (formerly Invitae), Labcorp
Classification: Uncertain significance for NIK deficiency. Last evaluated: 2022-08-16. Review status: criteria provided, single submitter. Criteria: Invitae Variant Classification Sherloc (09022015). Collection method: clinical testing. Allele origin: germline.
Comment: This sequence change replaces serine, which is neutral and polar, with phenylalanine, which is neutral and non-polar, at codon 727 of the MAP3K14 protein (p.Ser727Phe). In summary, the available evidence is currently insufficient to determine the role of this variant in disease. Therefore, it has been classified as a Variant of Uncertain Significance. Experimental studies and prediction algorithms are not available or were not evaluated, and the functional significance of this variant is currently unknown. ClinVar contains an entry for this variant (Variation ID: 1382233). This variant has not been reported in the literature in individuals affected with MAP3K14-related conditions. This variant is present in population databases (rs745358592, gnomAD 0.006%).

NM_003954.5(MAP3K14):c.2180C>T (p.Ser727Phe)

Genes: MAP3K14 (mitogen-activated protein kinase kinase kinase 14; minus strand), MAP3K14-AS1 (MAP3K14 antisense RNA 1; plus strand), LOC126862575 (CDK7 strongly-dependent group 2 enhancer GRCh37_chr17:43344006-43345205; plus strand). Cytogenetic location: 17q21.31.
Variant type: single nucleotide variant.
Coding change: c.2180C>T on transcript NM_003954.5 (MANE Select); coding-DNA position 2180, C replaced by T.
Protein change: p.Ser727Phe; replaces serine 727 with phenylalanine.
Molecular consequence: missense variant.
Genome position (GRCh38, 1-based): chr17:45,267,552, G>A on the plus strand (C>T on the coding strand, the complement: MAP3K14 is on the minus strand). VCF-style: chr17-45267552-G-A. GRCh37 (hg19) VCF-style: chr17-43344919-G-A.
Other names: short protein forms S727F.
Identifiers: ClinVar variation 1382233 (VCV001382233.6), dbSNP rs745358592, ClinGen allele CA8613939.